The following is an entry in ClinVar:

ClinVar aggregate classification (germline): Benign/Likely benign. Review status: criteria provided, multiple submitters, no conflicts (2 of 4 stars). 3 submissions from 3 submitters: Benign (1); Likely benign (2). Last evaluated 2024-06-17.

Conditions:
Familial cancer of breast. Also called: Hereditary breast cancer; hereditary breast carcinoma; BREAST CANCER, FAMILIAL. Identifiers: Orphanet 227535, MedGen C0346153, MONDO:0016419, OMIM 114480. Disease mechanism: loss of function.
Hereditary cancer-predisposing syndrome. Also called: Neoplastic Syndromes, Hereditary; Tumor predisposition; Hereditary Cancer Syndrome; Hereditary neoplastic syndrome. Identifiers: Orphanet 140162, MedGen C0027672, MeSH D009386, MONDO:0015356.
Ataxia-telangiectasia syndrome (AT). Also called: Ataxia telangiectasia (A-T); ATAXIA-TELANGIECTASIA, COMPLEMENTATION GROUP A; ATAXIA-TELANGIECTASIA, FRESNO VARIANT; Ataxia-telangiectasia; Ataxia-telangiectasia, complementation group E; LOUIS-BAR SYNDROME. Identifiers: Orphanet 100, MedGen C0004135, MONDO:0008840, OMIM 208900.

Allele frequency attached by ClinVar (database versions not stated): gnomAD exomes below 0.00001.
gnomAD v4.1: 2 of 1,613,720 alleles (0.00012%); highest among the groups gnomAD compares: Non-Finnish European, 0.00017%; no homozygotes.

Submissions (3):

Ambry Genetics
Classification: Likely benign for Hereditary cancer-predisposing syndrome. Last evaluated: 2024-06-17. Review status: criteria provided, single submitter. Criteria: Ambry Variant Classification Scheme 2023. Collection method: clinical testing. Allele origin: germline.

Myriad Genetics, Inc.
Classification: Benign for Familial cancer of breast. Last evaluated: 2024-06-10. Review status: criteria provided, single submitter. Criteria: Myriad Autosomal Dominant, Autosomal Recessive and X-Linked Classification Criteria (2023). Collection method: clinical testing. Allele origin: unknown.
Comment: This variant is considered benign. This variant is a silent/synonymous amino acid change and it is not expected to impact splicing.

Labcorp Genetics (formerly Invitae), Labcorp
Classification: Likely benign for Ataxia-telangiectasia syndrome. Last evaluated: 2019-10-12. Review status: criteria provided, single submitter. Criteria: Invitae Variant Classification Sherloc (09022015). Collection method: clinical testing. Allele origin: germline.

NM_000051.4(ATM):c.6738T>C (p.Cys2246=)

Genes: C11orf65 (chromosome 11 open reading frame 65; minus strand), ATM (ATM serine/threonine kinase; plus strand). Cytogenetic location: 11q22.3.
Variant type: single nucleotide variant.
Coding change: c.6738T>C on transcript NM_000051.4 (MANE Select); coding-DNA position 6738, T replaced by C.
Protein change: p.Cys2246=; no amino-acid change (cysteine 2246 retained).
Molecular consequence: synonymous variant. On other transcripts: intron variant (2).
Genome position (GRCh38, 1-based): chr11:108,325,475, T>C. VCF-style: chr11-108325475-T-C. GRCh37 (hg19) VCF-style: chr11-108196202-T-C.
Other names: c.6738T>C, p.Cys2246= (NM_001351834.2); c.641-16404A>G (NM_001330368.2); c.*38+9745A>G (NM_001351110.2).
Identifiers: ClinVar variation 1149824 (VCV001149824.11), dbSNP rs2136315409, ClinGen allele CA476745539.